The following is an entry in ClinVar:

ClinVar aggregate classification (germline): Uncertain significance (1 of 4 stars; one submission).

gnomAD v4.1: 18 of 1,614,066 alleles (0.0011%); highest among the groups gnomAD compares: South Asian, 0.0066%; no homozygotes.

Submissions (2):

Labcorp Genetics (formerly Invitae), Labcorp
Classification: Uncertain significance. Last evaluated: 2024-08-22. Review status: criteria provided, single submitter. Criteria: Invitae Variant Classification Sherloc (09022015). Collection method: clinical testing. Allele origin: germline.
Comment: This sequence change replaces glycine, which is neutral and non-polar, with arginine, which is basic and polar, at codon 830 of the ATP2A2 protein (p.Gly830Arg). This variant is present in population databases (rs763393717, gnomAD 0.003%). This variant has not been reported in the literature in individuals affected with ATP2A2-related conditions. Invitae Evidence Modeling of protein sequence and biophysical properties (such as structural, functional, and spatial information, amino acid conservation, physicochemical variation, residue mobility, and thermodynamic stability) indicates that this missense variant is not expected to disrupt ATP2A2 protein function with a negative predictive value of 80%. In summary, the available evidence is currently insufficient to determine the role of this variant in disease. Therefore, it has been classified as a Variant of Uncertain Significance.

Dr. Peter K. Rogan Lab, Western University
No classification provided (evidence only). Condition: Cervical cancer. Review status: no classification provided. Collection method: in vitro. Allele origin: not applicable. Functional consequence: retained intron. Not counted in ClinVar's aggregate classification.

NM_170665.4(ATP2A2):c.2488G>A (p.Gly830Arg)

Gene: ATP2A2 (ATPase sarcoplasmic/endoplasmic reticulum Ca2+ transporting 2; plus strand). Cytogenetic location: 12q24.11.
Variant type: single nucleotide variant.
Coding change: c.2488G>A on transcript NM_170665.4 (MANE Select); coding-DNA position 2488, G replaced by A.
Protein change: p.Gly830Arg; replaces glycine 830 with arginine.
Molecular consequence: missense variant.
Genome position (GRCh38, 1-based): chr12:110,343,401, G>A. VCF-style: chr12-110343401-G-A. GRCh37 (hg19) VCF-style: chr12-110781206-G-A.
Other names: c.2383G>A, p.Gly795Arg (NM_001413013.1); c.2488G>A, p.Gly830Arg (NM_001413014.1, NM_001681.4); c.2113G>A, p.Gly705Arg (NM_001413015.1); short protein forms G705R, G830R, G795R.
Identifiers: ClinVar variation 3720519 (VCV003720519.3).